The following is an entry in ClinVar:

NM_006662.3(SRCAP):c.5940G>A (p.Met1980Ile)

Gene: SRCAP (Snf2 related CREBBP activator protein; plus strand). Cytogenetic location: 16p11.2.
Variant type: single nucleotide variant.
Coding change: c.5940G>A on transcript NM_006662.3 (MANE Select); coding-DNA position 5940, G replaced by A.
Protein change: p.Met1980Ile; replaces methionine 1980 with isoleucine.
Molecular consequence: missense variant.
Genome position (GRCh38, 1-based): chr16:30,729,385, G>A. VCF-style: chr16-30729385-G-A. GRCh37 (hg19) VCF-style: chr16-30740706-G-A.
Other names: short protein forms M1980I.
Identifiers: ClinVar variation 2096163 (VCV002096163.4), dbSNP rs1249494343, ClinGen allele CA395621831.
Genomic context (GRCh38, chr16:30,729,385, plus strand): 5'-TTTCAGAGTCCCATCTTTTACACTGCCTGCTTCTTCCTTTCACAGGTTCATCTTTGTCAT[G>A]CCTCCTGTGGAGGCACCTCCCCCTTCCCTGCATGCCTGCCACCCACCTCCTTGGCTGGCC-3'
Protein context (NP_006653.2, residues 1970-1990): SEIIERFIFV[Met1980Ile]PPVEAPPPSL

ClinVar aggregate classification (germline): Likely pathogenic (1 of 4 stars; one submission).

Submission:

Labcorp Genetics (formerly Invitae), Labcorp
Classification: Likely pathogenic. Last evaluated: 2022-03-12. Review status: criteria provided, single submitter. Criteria: Invitae Variant Classification Sherloc (09022015). Collection method: clinical testing. Allele origin: germline.
Comment: This sequence change replaces methionine, which is neutral and non-polar, with isoleucine, which is neutral and non-polar, at codon 1980 of the SRCAP protein (p.Met1980Ile). This variant is not present in population databases (gnomAD no frequency). This missense change has been observed in individual(s) with clinical features of Floating-Harbor syndrome (Invitae). In at least one individual the variant was observed to be de novo. Algorithms developed to predict the effect of missense changes on protein structure and function are either unavailable or do not agree on the potential impact of this missense change (SIFT: "Deleterious"; PolyPhen-2: "Benign"; Align-GVGD: "Class C0"). In summary, the currently available evidence indicates that the variant is pathogenic, but additional data are needed to prove that conclusively. Therefore, this variant has been classified as Likely Pathogenic.